The following is an entry in ClinVar:

NM_020778.5(ALPK3):c.71A>G (p.Glu24Gly)

Gene: ALPK3 (alpha kinase 3; plus strand). Cytogenetic location: 15q25.3.
Variant type: single nucleotide variant.
Coding change: c.71A>G on transcript NM_020778.5 (MANE Select); coding-DNA position 71, A replaced by G.
Protein change: p.Glu24Gly; replaces glutamic acid 24 with glycine.
Molecular consequence: missense variant.
Genome position (GRCh38, 1-based): chr15:84,817,523, A>G. VCF-style: chr15-84817523-A-G. GRCh37 (hg19) VCF-style: chr15-85360754-A-G.
Other names: short protein forms E24G.
Identifiers: ClinVar variation 1360304 (VCV001360304.8), dbSNP rs1963374337, ClinGen allele CA393369401.
Genomic context (GRCh38, chr15:84,817,523, plus strand): 5'-GGAGGGCCCCCAGCCGGGGCTGGGGCGCGGGTGGGCGGTCGGGGGCGGGGGGCGACGGTG[A>G]GGACGACGGCCCCGTGTGGATCCCCAGCCCAGCCAGCCGGAGCTACCTGCTCAGCGTGCG-3'
Protein context (NP_065829.4, residues 14-34): GGRSGAGGDG[Glu24Gly]DDGPVWIPSP

ClinVar aggregate classification (germline): Uncertain significance (1 of 4 stars; one submission).

Allele frequency attached by ClinVar (database versions not stated): TOPMed below 0.00001.

Submission:

Labcorp Genetics (formerly Invitae), Labcorp
Classification: Uncertain significance. Last evaluated: 2024-06-06. Review status: criteria provided, single submitter. Criteria: Invitae Variant Classification Sherloc (09022015). Collection method: clinical testing. Allele origin: germline.
Comment: This sequence change replaces glutamic acid, which is acidic and polar, with glycine, which is neutral and non-polar, at codon 226 of the ALPK3 protein (p.Glu226Gly). This variant is not present in population databases (gnomAD no frequency). This variant has not been reported in the literature in individuals affected with ALPK3-related conditions. ClinVar contains an entry for this variant (Variation ID: 1360304). An algorithm developed to predict the effect of missense changes on protein structure and function (PolyPhen-2) suggests that this variant is likely to be disruptive. In summary, the available evidence is currently insufficient to determine the role of this variant in disease. Therefore, it has been classified as a Variant of Uncertain Significance.